The following is an entry in ClinVar:

NM_001987.5(ETV6):c.1141G>A (p.Gly381Arg)

Genes: ETV6 (ETS variant transcription factor 6; plus strand), LOC126861452 (CDK7 strongly-dependent group 2 enhancer GRCh37_chr12:12037195-12038394; plus strand). Cytogenetic location: 12p13.2.
Variant type: single nucleotide variant.
Coding change: c.1141G>A on transcript NM_001987.5 (MANE Select); coding-DNA position 1141, G replaced by A.
Protein change: p.Gly381Arg; replaces glycine 381 with arginine.
Molecular consequence: missense variant. On other transcripts: intron variant (1).
Genome position (GRCh38, 1-based): chr12:11,884,576, G>A. VCF-style: chr12-11884576-G-A. GRCh37 (hg19) VCF-style: chr12-12037510-G-A.
Other names: p.Gly381Arg; c.1138G>A, p.Gly380Arg (NM_001413913.1); c.1114G>A, p.Gly372Arg (NM_001413914.1); c.877G>A, p.Gly293Arg (NM_001413915.1); c.1010-6365G>A (NM_001413917.1); short protein forms G380R, G293R, G372R, G381R.
Identifiers: ClinVar variation 4020135 (VCV004020135.3).
Genomic context (GRCh38, chr12:11,884,576, plus strand): 5'-GAGGACAAAGAATCCAAAATATTCCGGATAGTGGATCCCAACGGACTGGCTCGACTGTGG[G>A]GAAACCATAAGGTAAAAGGGCAGCAGATATCTGCTCCATAAACTAGTGCCAAAATGAAGT-3'
Protein context (NP_001978.1, residues 371-391): VDPNGLARLW[Gly381Arg]NHKNRTNMTY

ClinVar aggregate classification (germline): Uncertain significance. Review status: criteria provided, multiple submitters, no conflicts (2 of 4 stars). 3 submissions from 3 submitters: Uncertain significance (3). Last evaluated 2025-10-22.

Conditions:
ETV6-related disorder. Also called: ETV6-related condition.
Inborn genetic diseases. Identifiers: MedGen C0950123, MeSH D030342.

Submissions (3):

Mayo Clinic Laboratories, Mayo Clinic
Classification: Uncertain significance. Last evaluated: 2025-10-22. Review status: criteria provided, single submitter. Criteria: ACMG Guidelines, 2015. Collection method: clinical testing. Allele origin: germline. Observed: 1 variant allele.
Comment: PP3_moderate, PM1, PM2_supporting

Ambry Genetics
Classification: Uncertain significance for Inborn genetic diseases. Last evaluated: 2025-05-01. Review status: criteria provided, single submitter. Criteria: Ambry Variant Classification Scheme 2023. Collection method: clinical testing. Allele origin: germline.
Comment: The c.1141G>A (p.G381R) alteration is located in exon 6 (coding exon 6) of the ETV6 gene. This alteration results from a G to A substitution at nucleotide position 1141, causing the glycine (G) at amino acid position 381 to be replaced by an arginine (R). This variant was not reported in population-based cohorts in the Genome Aggregation Database (gnomAD). This amino acid position is highly conserved in available vertebrate species. This missense alteration is located in a region that has a low rate of benign missense variation (Lek, 2016; Firth, 2009). This alteration is predicted to be deleterious by in silico analysis. Based on insufficient or conflicting evidence, the clinical significance of this alteration remains unclear.

PreventionGenetics, part of Exact Sciences
Classification: Uncertain significance for ETV6-related condition. Last evaluated: 2024-12-09. Review status: criteria provided, single submitter. Criteria: ACMG Guidelines, 2015. Collection method: clinical testing. Allele origin: germline.
Comment: The ETV6 c.1141G>A variant is predicted to result in the amino acid substitution p.Gly381Arg. To our knowledge, this variant has not been reported in the literature or in a large population database (gnomAD), indicating this variant is rare. At this time, the clinical significance of this variant is uncertain due to the absence of conclusive functional and genetic evidence.